The following is an entry in ClinVar:

ClinVar aggregate classification (germline): Uncertain significance (1 of 4 stars; one submission).

Conditions:
Acromesomelic dysplasia 1, Maroteaux type (AMD1). Also called: ST. HELENA DYSPLASIA; ACROMESOMELIC DYSPLASIA 1. Identifiers: Orphanet 40, MedGen C1864356, MONDO:0011275, OMIM 602875.
Tall stature-scoliosis-macrodactyly of the great toes syndrome. Also called: Epiphyseal chondrodysplasia, miura type. Identifiers: Orphanet 329191, MedGen C4014690, MONDO:0014401, OMIM 615923.

Allele frequency attached by ClinVar (database versions not stated): TOPMed below 0.00001; gnomAD 0.00001; gnomAD exomes 0.00001; ExAC 0.00002.
gnomAD v4.1: 10 of 1,614,006 alleles (0.00062%); highest among the groups gnomAD compares: Non-Finnish European, 0.00085%; no homozygotes.

Submission:

Labcorp Genetics (formerly Invitae), Labcorp
Classification: Uncertain significance for Tall stature-scoliosis-macrodactyly of the great toes syndrome; Acromesomelic dysplasia 1, Maroteaux type. Last evaluated: 2025-07-14. Review status: criteria provided, single submitter. Criteria: Invitae Variant Classification Sherloc (09022015). Collection method: clinical testing. Allele origin: germline.
Comment: This sequence change replaces arginine, which is basic and polar, with glutamine, which is neutral and polar, at codon 921 of the NPR2 protein (p.Arg921Gln). This variant is present in population databases (rs770276670, gnomAD 0.006%). This missense change has been observed in individual(s) with autosomal recessive acromesomelic dysplasia, type Maroteaux and/or clinical features of autosomal dominant short stature (PMID: 26567084, 31960617). ClinVar contains an entry for this variant (Variation ID: 1450866). Invitae Evidence Modeling of protein sequence and biophysical properties (such as structural, functional, and spatial information, amino acid conservation, physicochemical variation, residue mobility, and thermodynamic stability) indicates that this missense variant is expected to disrupt NPR2 protein function with a positive predictive value of 80%. Experimental studies have shown that this missense change affects NPR2 function (PMID: 26567084). In summary, the available evidence is currently insufficient to determine the role of this variant in disease. Therefore, it has been classified as a Variant of Uncertain Significance.

Literature cited by the submitters: PubMed 26567084; PubMed 31960617.

NM_003995.4(NPR2):c.2762G>A (p.Arg921Gln)

Genes: NPR2 (natriuretic peptide receptor 2; plus strand), SPAG8 (sperm associated antigen 8; minus strand). Cytogenetic location: 9p13.3.
Variant type: single nucleotide variant.
Coding change: c.2762G>A on transcript NM_003995.4 (MANE Select); coding-DNA position 2762, G replaced by A.
Protein change: p.Arg921Gln; replaces arginine 921 with glutamine.
Molecular consequence: missense variant. On other transcripts: intron variant (2).
Genome position (GRCh38, 1-based): chr9:35,808,558, G>A. VCF-style: chr9-35808558-G-A. GRCh37 (hg19) VCF-style: chr9-35808555-G-A.
Other names: c.2771G>A, p.Arg924Gln (NM_001378923.1); c.1201-252C>T (NM_001366760.2); c.1373-252C>T (NM_172312.2); short protein forms R921Q, R924Q.
Identifiers: ClinVar variation 1450866 (VCV001450866.9), dbSNP rs770276670, ClinGen allele CA5052124.